The following is an entry in ClinVar:

ClinVar aggregate classification (germline): Uncertain significance. Review status: criteria provided, multiple submitters, no conflicts (2 of 4 stars). 2 submissions from 2 submitters: Uncertain significance (2). Last evaluated 2023-08-04.

Conditions:
Spondylocostal dysostosis 3, autosomal recessive (SCDO3). Also called: LFNG-Related Spondylocostal Dysostosis, Autosomal Recessive. Identifiers: Orphanet 2311, MedGen C1853296, MONDO:0012349, OMIM 609813.
Inborn genetic diseases. Identifiers: MedGen C0950123, MeSH D030342.

Allele frequency attached by ClinVar (database versions not stated): gnomAD 0.00003; gnomAD exomes 0.00003.
gnomAD v4.1: 47 of 1,364,540 alleles (0.0034%); highest among the groups gnomAD compares: Middle Eastern, 0.043%; no homozygotes.

Submissions (2):

Labcorp Genetics (formerly Invitae), Labcorp
Classification: Uncertain significance for Spondylocostal dysostosis 3, autosomal recessive. Last evaluated: 2023-08-04. Review status: criteria provided, single submitter. Criteria: Invitae Variant Classification Sherloc (09022015). Collection method: clinical testing. Allele origin: germline.
Comment: This sequence change replaces proline, which is neutral and non-polar, with serine, which is neutral and polar, at codon 91 of the LFNG protein (p.Pro91Ser). In summary, the available evidence is currently insufficient to determine the role of this variant in disease. Therefore, it has been classified as a Variant of Uncertain Significance. An algorithm developed to predict the effect of missense changes on protein structure and function (PolyPhen-2) suggests that this variant¬†is likely to be tolerated. ClinVar contains an entry for this variant (Variation ID: 2082399). This variant has not been reported in the literature in individuals affected with LFNG-related conditions. This variant is present in population databases (no rsID available, gnomAD 0.01%).

Ambry Genetics
Classification: Uncertain significance for Inborn genetic diseases. Last evaluated: 2023-06-21. Review status: criteria provided, single submitter. Criteria: Ambry Variant Classification Scheme 2023. Collection method: clinical testing. Allele origin: germline.

NM_001040167.2(LFNG):c.271C>T (p.Pro91Ser)

Gene: LFNG (LFNG O-fucosylpeptide 3-beta-N-acetylglucosaminyltransferase; plus strand). Cytogenetic location: 7p22.3.
Variant type: single nucleotide variant.
Coding change: c.271C>T on transcript NM_001040167.2 (MANE Select); coding-DNA position 271, C replaced by T.
Protein change: p.Pro91Ser; replaces proline 91 with serine.
Molecular consequence: missense variant. On other transcripts: intron variant (2).
Genome position (GRCh38, 1-based): chr7:2,520,132, C>T. VCF-style: chr7-2520132-C-T. GRCh37 (hg19) VCF-style: chr7-2559766-C-T.
Other names: c.271C>T (NM_001040167.1); c.271C>T, p.Pro91Ser (NM_001040168.2); c.220-4563C>T (NM_001166355.2); c.45+1534C>T (NM_002304.3); short protein forms P91S.
Identifiers: ClinVar variation 2082399 (VCV002082399.5), dbSNP rs1055489560, ClinGen allele CA152640153.